The following is an entry in ClinVar:

NM_177438.3(DICER1):c.3566A>G (p.Tyr1189Cys)

Gene: DICER1 (dicer 1, ribonuclease III; minus strand). Cytogenetic location: 14q32.13.
Variant type: single nucleotide variant.
Coding change: c.3566A>G on transcript NM_177438.3 (MANE Select); coding-DNA position 3566, A replaced by G.
Protein change: p.Tyr1189Cys; replaces tyrosine 1189 with cysteine.
Molecular consequence: missense variant.
Genome position (GRCh38, 1-based): chr14:95,103,830, T>C on the plus strand (A>G on the coding strand, the complement: DICER1 is on the minus strand). VCF-style: chr14-95103830-T-C. GRCh37 (hg19) VCF-style: chr14-95570167-T-C.
Other names: c.3566A>G, p.Tyr1189Cys (NM_001195573.1, NM_001271282.3, NM_001291628.2 and 1 more transcripts); short protein forms Y1189C.
Identifiers: ClinVar variation 840672 (VCV000840672.13), dbSNP rs1891140921, ClinGen allele CA390874901.

ClinVar aggregate classification (germline): Uncertain significance. Review status: criteria provided, multiple submitters, no conflicts (2 of 4 stars). 2 submissions from 2 submitters: Uncertain significance (2). Last evaluated 2024-12-22.

Conditions:
Hereditary cancer-predisposing syndrome. Also called: Neoplastic Syndromes, Hereditary; Hereditary neoplastic syndrome; Tumor predisposition; Hereditary Cancer Syndrome. Identifiers: Orphanet 140162, MedGen C0027672, MeSH D009386, MONDO:0015356.
DICER1-related tumor predisposition. Also called: DICER1 syndrome; DICER1-related pleuropulmonary blastoma cancer predisposition syndrome. Identifiers: Orphanet 284343, MedGen C3839822, MONDO:0100216.

Allele frequency attached by ClinVar (database versions not stated): gnomAD exomes below 0.00001.
gnomAD v4.1: 1 of 1,614,238 alleles (0.000062%); highest among the groups gnomAD compares: South Asian, 0.0011%; no homozygotes.

Submissions (2):

Labcorp Genetics (formerly Invitae), Labcorp
Classification: Uncertain significance for DICER1-related tumor predisposition. Last evaluated: 2024-12-22. Review status: criteria provided, single submitter. Criteria: Invitae Variant Classification Sherloc (09022015). Collection method: clinical testing. Allele origin: germline.
Comment: This sequence change replaces tyrosine, which is neutral and polar, with cysteine, which is neutral and slightly polar, at codon 1189 of the DICER1 protein (p.Tyr1189Cys). This variant is not present in population databases (gnomAD no frequency). This variant has not been reported in the literature in individuals affected with DICER1-related conditions. ClinVar contains an entry for this variant (Variation ID: 840672). Invitae Evidence Modeling of protein sequence and biophysical properties (such as structural, functional, and spatial information, amino acid conservation, physicochemical variation, residue mobility, and thermodynamic stability) indicates that this missense variant is not expected to disrupt DICER1 protein function with a negative predictive value of 95%. In summary, the available evidence is currently insufficient to determine the role of this variant in disease. Therefore, it has been classified as a Variant of Uncertain Significance.

Ambry Genetics
Classification: Uncertain significance for Hereditary cancer-predisposing syndrome. Last evaluated: 2022-07-10. Review status: criteria provided, single submitter. Criteria: Ambry Variant Classification Scheme 2023. Collection method: clinical testing. Allele origin: germline.
Comment: The p.Y1189C variant (also known as c.3566A>G), located in coding exon 20 of the DICER1 gene, results from an A to G substitution at nucleotide position 3566. The tyrosine at codon 1189 is replaced by cysteine, an amino acid with highly dissimilar properties. This amino acid position is conserved. In addition, this alteration is predicted to be tolerated by in silico analysis. Since supporting evidence is limited at this time, the clinical significance of this alteration remains unclear.